The following is an entry in ClinVar:

ClinVar aggregate classification (germline): Likely pathogenic (1 of 4 stars; one submission).

Conditions:
Classic homocystinuria. Also called: HOMOCYSTINURIA WITH OR WITHOUT RESPONSE TO PYRIDOXINE; Homocystinuria due to CBS deficiency; Cystathionine beta-synthase deficiency; CBS deficiency; Homocystinuria due to Cystathionine Beta-Synthase Deficiency. Identifiers: Orphanet 394, MedGen C0751202, MONDO:0009352, OMIM 236200.

Submission:

Natera, Inc.
Classification: Likely pathogenic for Homocystinuria due to cystathionine beta-synthase deficiency. Last evaluated: 2025-06-09. Review status: criteria provided, single submitter. Criteria: Natera Variant Classification Schema (03/2026). Collection method: clinical testing. Allele origin: germline.
Comment: The c.119_120dup variant in CBS is a frameshift variant predicted to shift the reading frame beginning at codon 41 and leads to a stop codon 42 codons downstream. This variant is expected to result in nonsense mediated decay, truncation, or a dysfunctional protein product. This variant is rare in the general population with a frequency below the threshold expected for the associated phenotype(s). Given the available evidence, this variant is classified as Likely Pathogenic.

NM_000071.3(CBS):c.119_120dup (p.Pro41fs)

Gene: CBS (cystathionine beta-synthase; minus strand). Cytogenetic location: 21q22.3.
Variant type: Duplication.
Coding change: c.119_120dup on transcript NM_000071.3 (MANE Select); coding-DNA positions 119 to 120, 2 bases duplicated (AG; older notation c.119_120dupAG).
Protein change: p.Pro41fs; shifts the reading frame from proline 41.
Molecular consequence: frameshift variant.
Genome position (GRCh38, 1-based): chr21:43,072,074-43,072,075, CT duplicated on the plus strand (AG on the coding strand, the reverse complement: CBS is on the minus strand); duplicating any 2 consecutive bases within chr21:43,072,074-43,072,076 gives the same sequence; the c. name uses the placement nearest the transcript's 3' end. VCF-style (leftmost placement, unchanged base first): chr21-43072073-G-GCT. GRCh37 (hg19) VCF-style: chr21-44492183-G-GCT.
Other names: c.119_120dup, p.Pro41fs (NM_001178008.3, NM_001178009.3, NM_001320298.2); c.119_120dup (NM_000071.2); short protein forms P41fs.
Identifiers: ClinVar variation 4816484 (VCV004816484.1).